The following is an entry in ClinVar:

NM_000744.7(CHRNA4):c.1158_1160delinsGGG (p.Glu387Gly)

Gene: CHRNA4 (cholinergic receptor nicotinic alpha 4 subunit; minus strand). Cytogenetic location: 20q13.33.
Variant type: Indel.
Coding change: c.1158_1160delinsGGG on transcript NM_000744.7 (MANE Select); coding-DNA positions 1158 to 1160, CGA replaced by GGG.
Protein change: p.Glu387Gly; replaces glutamic acid 387 with glycine.
Molecular consequence: missense variant. On other transcripts: non-coding transcript variant (1).
Genome position (GRCh38, 1-based): chr20:63,350,251-63,350,253, TCG replaced by CCC on the plus strand (CGA replaced by GGG on the coding strand, the reverse complement: CHRNA4 is on the minus strand). VCF-style: chr20-63350251-TCG-CCC. GRCh37 (hg19) VCF-style: chr20-61981603-TCG-CCC.
Other names: p.E387G:GAG>GGG; c.630_632delinsGGG, p.Glu211Gly (NM_001256573.2); short protein forms E387G, E211G.
Identifiers: ClinVar variation 205048 (VCV000205048.1), dbSNP rs796052320, ClinGen allele CA313614.

ClinVar aggregate classification (germline): Uncertain significance (1 of 4 stars; one submission).

Submission:

GeneDx
Classification: Uncertain significance. Last evaluated: 2013-04-26. Review status: criteria provided, single submitter. Criteria: GeneDx Variant Classification (06012015). Collection method: clinical testing. Allele origin: germline. Affected: yes.
Comment: c.1158_1160delinsGGG: p.Glu387Gly (E387G) in exon 5 of the CHRNA4 gene (NM_000744.5). The normal sequence with the deleted bases in braces, following immediately by the inserted bases in brackets is: TGGCC{CGA}[GGG]GCCA.The c.1158_1160delCGAinsGGG variant has not been published as a mutation nor has it been reported as a benign polymorphism, to our knowledge. This variant is not expected to result in protein truncation or nonsense-mediated mRNA decay but instead replaces a negatively charged polar Glutamic acid residue (CGA) with an uncharged non-polar Glycine residue (GGG), a change denoted as Glu387Gly (E387G). The NHLBI ESP Exome Variant Project has not identified Glu387Gly in approximately 6,500 individuals of European or African American ethnicity, indicating that it is not a common benign variant in these populations.The Glu387Gly substitution alters a position that is conserved in mammals but not in related species, and it does not occur within the transmembrane region of the protein where most of the pathogenic missense mutations have been identified in association with epilepsy (Steinlein et al., 2010). In addition, in silico algorithms are not consistent in their predictions of whether Glu387Gly is damaging to the structure/function of the CHRNA4 protein. Therefore, based on the currently available information, it is unclear whether Glu387Gly is a disease-causing mutation or a rare benign variant. The variant is found in EPILEPSY panel(s).